The following is an entry in ClinVar:

ClinVar aggregate classification (germline): Conflicting classifications of pathogenicity. Review status: criteria provided, conflicting classifications (1 of 4 stars). 10 submissions from 10 submitters: Pathogenic (3); Likely pathogenic (4); Uncertain significance (1). 2 of the submissions do not count toward it. Last evaluated 2026-08-07.

Conditions:
Complement component 7 deficiency (C7D). Also called: C7 DEFICIENCY. Identifiers: MedGen C1864694, MONDO:0012412, OMIM 610102.
C7-related disorders.
Primary immunodeficiency or monogenic inflammatory bowel disease.
C7-related disorder. Also called: C7-related condition.

Allele frequency attached by ClinVar (database versions not stated): ESP Exome Variant Server 0.00033; gnomAD exomes 0.00047 and 0.00027; TOPMed 0.00025; ExAC 0.00029; gnomAD 0.00031.
gnomAD v4.1: 705 of 1,570,952 alleles (0.045%); highest among the groups gnomAD compares: Non-Finnish European, 0.057%; no homozygotes.

Submissions (11):

PreventionGenetics, part of Exact Sciences
Classification: Likely pathogenic for C7-related condition. Last evaluated: 2026-08-07. Review status: criteria provided, single submitter. Criteria: ACMG Guidelines, 2015. Collection method: clinical testing. Allele origin: germline.
Comment: The C7 c.2350+2T>C variant is predicted to disrupt the GT donor site and interfere with normal splicing. This variant has been reported in individuals with complement factor C7 deficiency (Fernie et al. 1998. PubMed ID: 9856499; Spedicati et al. 2021. PubMed ID: 33727708). This variant is reported in 0.049% of alleles in individuals of European (Non-Finnish) descent in gnomAD. Variants that disrupt the consensus splice donor site in C7 are expected to be pathogenic. This variant is interpreted as likely pathogenic.

GeneDx
Classification: Pathogenic. Last evaluated: 2026-07-22. Review status: criteria provided, single submitter. Criteria: GeneDx Variant Classification Process June 2021. Collection method: clinical testing. Allele origin: germline.
Comment: Canonical splice site variant predicted to result in a null allele in a gene for which loss of function is a known mechanism of disease; This variant is associated with the following publications: (PMID: 16552475, 9856499, 33727708, 28078901, 17407100, 25525159, 28368462)

North West Genomic Laboratory Hub, Manchester University NHS Foundation Trust
Classification: Likely pathogenic for Primary immunodeficiency or monogenic inflammatory bowel disease. Last evaluated: 2026-05-15. Review status: criteria provided, single submitter. Criteria: ACGS Best Practice Guidelines for Variant Classification in Rare Disease 2024. Collection method: clinical testing. Allele origin: germline. Affected: yes.
Comment: PM2_Mod PP3_Supp PM3_Str

Labcorp Genetics (formerly Invitae), Labcorp
Classification: Uncertain significance. Last evaluated: 2026-01-02. Review status: criteria provided, single submitter. Criteria: Invitae Variant Classification Sherloc (09022015). Collection method: clinical testing. Allele origin: germline.
Comment: This sequence change affects a donor splice site in intron 17 of the C7 gene. While this variant is not anticipated to result in nonsense mediated decay, it likely alters RNA splicing and results in a disrupted protein product. This variant is present in population databases (rs201240159, gnomAD 0.05%). Disruption of this splice site has been observed in individual(s) with clinical features of C7 deficiency (PMID: 9856499, 28368462, 33727708). ClinVar contains an entry for this variant (Variation ID: 636459). Variants that disrupt the consensus splice site are a relatively common cause of aberrant splicing (PMID: 17576681, 9536098). Algorithms developed to predict the effect of sequence changes on RNA splicing suggest that this variant may disrupt the consensus splice site. In summary, the available evidence is currently insufficient to determine the role of this variant in disease. Therefore, it has been classified as a Variant of Uncertain Significance.

Dasa
Classification: Likely pathogenic. Last evaluated: 2025-09-12. Review status: criteria provided, single submitter. Criteria: DASA Assertion Criteria. Collection method: clinical testing. Allele origin: germline.
Comment: NM_000587.4(C7):c.2350+2T>C affects a canonical splice site and is predicted to disrupt normal RNA splicing. Loss of function is an established disease mechanism for C7-associated disorders. This variant has been recurrently observed in individuals with C7-related disorders (PMID: 17407100; PMID: 28368462; PMID: 33727708). Also, this variant is rare in population databases. Based on the currently available evidence, this variant is classified as likely pathogenic.

Blueprint Genetics
Classification: Pathogenic for C7-related disorders. Last evaluated: 2024-11-26. Review status: criteria provided, single submitter. Criteria: ACMG Guidelines, 2015. Collection method: clinical testing. Allele origin: germline. Affected: yes. Observed: 5 variant alleles.

Department of Pathology and Laboratory Medicine, Sinai Health System
Classification: Likely pathogenic for Complement component 7 deficiency. Last evaluated: 2022-11-19. Review status: criteria provided, single submitter. Criteria: ACMG Guidelines, 2015. Collection method: research. Allele origin: germline.

CeGaT Center for Human Genetics Tuebingen
Classification: Pathogenic. Last evaluated: 2018-02-01. Review status: criteria provided, single submitter. Criteria: CeGaT Center For Human Genetics Tuebingen Variant Classification Criteria Version 2. Collection method: clinical testing. Allele origin: germline. Affected: yes. Observed: 1 variant allele.

Clinical Genetics DNA and cytogenetics Diagnostics Lab, Erasmus MC, Erasmus Medical Center
Classification: Pathogenic. Review status: no assertion criteria provided. Collection method: clinical testing. Allele origin: germline. Affected: yes. Study: VKGL Data-share Consensus. Not counted in ClinVar's aggregate classification.

Dr. Peter K. Rogan Lab, Western University
No classification provided (evidence only). Condition: Ovarian serous cystadenocarcinoma. Review status: no classification provided. Collection method: in vitro. Allele origin: not applicable. Functional consequence: retained intron. Not counted in ClinVar's aggregate classification.

Genome Diagnostics Laboratory, University Medical Center Utrecht
Classification: Pathogenic. Review status: no assertion criteria provided. Collection method: clinical testing. Allele origin: germline. Affected: yes. Study: VKGL Data-share Consensus. Not counted in ClinVar's aggregate classification.

Literature cited by the submitters: PubMed 9856499 (cited by Labcorp Genetics (formerly Invitae), Labcorp); PubMed 28368462 (cited by Labcorp Genetics (formerly Invitae), Labcorp and Dasa); PubMed 33727708 (cited by Labcorp Genetics (formerly Invitae), Labcorp and Dasa); PubMed 17576681 (cited by Labcorp Genetics (formerly Invitae), Labcorp); PubMed 9536098 (cited by Labcorp Genetics (formerly Invitae), Labcorp); PubMed 17407100 (cited by Dasa).

NM_000587.4(C7):c.2350+2T>C

Gene: C7 (complement C7; plus strand). Cytogenetic location: 5p13.1.
Variant type: single nucleotide variant.
Coding change: c.2350+2T>C on transcript NM_000587.4 (MANE Select); the canonical splice donor site of the intron after coding-DNA position 2350, T replaced by C.
Molecular consequence: splice donor variant.
Genome position (GRCh38, 1-based): chr5:40,979,911, T>C. VCF-style: chr5-40979911-T-C. GRCh37 (hg19) VCF-style: chr5-40980013-T-C.
Other names: c.2350+2T>C (NM_000587.3).
Identifiers: ClinVar variation 636459 (VCV000636459.55), dbSNP rs201240159, ClinGen allele CA3250273.